The following is an entry in ClinVar:

ClinVar aggregate classification (germline): Uncertain significance (1 of 4 stars; one submission).

Conditions:
Mucopolysaccharidosis, MPS-III-A (MPS3A). Also called: HEPARAN SULFATE SULFATASE DEFICIENCY; SANFILIPPO SYNDROME A; SULFAMIDASE DEFICIENCY; MUCOPOLYSACCHARIDOSIS, TYPE IIIA, ATTENUATED; Mucopolysaccharidosis, type IIIA; mucopolysaccharidosis type 3A. Identifiers: Orphanet 581, Orphanet 79269, MedGen C0086647, MONDO:0009655, OMIM 252900.

Allele frequency attached by ClinVar (database versions not stated): gnomAD 0.00001; gnomAD exomes below 0.00001; TOPMed below 0.00001.
gnomAD v4.1: 2 of 1,613,482 alleles (0.00012%); highest among the groups gnomAD compares: Non-Finnish European, 0.00017%; no homozygotes.

Submission:

Labcorp Genetics (formerly Invitae), Labcorp
Classification: Uncertain significance for Mucopolysaccharidosis, MPS-III-A. Last evaluated: 2021-12-21. Review status: criteria provided, single submitter. Criteria: Invitae Variant Classification Sherloc (09022015). Collection method: clinical testing. Allele origin: germline.
Comment: This sequence change replaces glutamic acid, which is acidic and polar, with alanine, which is neutral and non-polar, at codon 300 of the SGSH protein (p.Glu300Ala). This variant is not present in population databases (gnomAD no frequency). This variant has not been reported in the literature in individuals affected with SGSH-related conditions. Algorithms developed to predict the effect of missense changes on protein structure and function (SIFT, PolyPhen-2, Align-GVGD) all suggest that this variant is likely to be tolerated. In summary, the available evidence is currently insufficient to determine the role of this variant in disease. Therefore, it has been classified as a Variant of Uncertain Significance.

NM_000199.5(SGSH):c.899A>C (p.Glu300Ala)

Gene: SGSH (N-sulfoglucosamine sulfohydrolase; minus strand). Cytogenetic location: 17q25.3.
Variant type: single nucleotide variant.
Coding change: c.899A>C on transcript NM_000199.5 (MANE Select); coding-DNA position 899, A replaced by C.
Protein change: p.Glu300Ala; replaces glutamic acid 300 with alanine.
Molecular consequence: missense variant. On other transcripts: non-coding transcript variant (1).
Genome position (GRCh38, 1-based): chr17:80,212,121, T>G on the plus strand (A>C on the coding strand, the complement: SGSH is on the minus strand). VCF-style: chr17-80212121-T-G. GRCh37 (hg19) VCF-style: chr17-78185920-T-G.
Other names: c.899A>C, p.Glu300Ala (NM_001352921.3, NM_001352922.2); short protein forms E300A.
Identifiers: ClinVar variation 2417702 (VCV002417702.3), dbSNP rs2041691608, ClinGen allele CA401359711.